The following is an entry in ClinVar:

ClinVar aggregate classification (germline): Benign/Likely benign. Review status: criteria provided, multiple submitters, no conflicts (2 of 4 stars). 5 submissions from 5 submitters: Benign (1); Likely benign (4). Last evaluated 2025-12-24.

Conditions:
Hemolytic anemia due to glucophosphate isomerase deficiency (CNSHA4). Also called: ANEMIA, CONGENITAL, NONSPHEROCYTIC HEMOLYTIC, 4. Identifiers: Orphanet 712, MedGen C0272064, MONDO:0013275, OMIM 613470.

Allele frequency attached by ClinVar (database versions not stated): gnomAD exomes 0.00175 and 0.00140; 1000 Genomes Project 0.00060; 1000 Genomes Project 30x 0.00062; ESP Exome Variant Server 0.00085; gnomAD 0.00123 and 0.00125; TOPMed 0.00138; ExAC 0.00175.
gnomAD v4.1: 2,259 of 1,613,386 alleles (0.14%); highest among the groups gnomAD compares: Middle Eastern, 0.74%; 11 homozygotes.

Submissions (5):

Labcorp Genetics (formerly Invitae), Labcorp
Classification: Benign. Last evaluated: 2025-12-24. Review status: criteria provided, single submitter. Criteria: Invitae Variant Classification Sherloc (09022015). Collection method: clinical testing. Allele origin: germline.

CeGaT Center for Human Genetics Tuebingen
Classification: Likely benign. Last evaluated: 2025-01-01. Review status: criteria provided, single submitter. Criteria: CeGaT Center For Human Genetics Tuebingen Variant Classification Criteria Version 2. Collection method: clinical testing. Allele origin: germline. Affected: yes. Observed: 5 variant alleles.
Comment: GPI: BP4, BS2

Mayo Clinic Laboratories, Mayo Clinic
Classification: Likely benign. Last evaluated: 2024-07-22. Review status: criteria provided, single submitter. Criteria: ACMG Guidelines, 2015. Collection method: clinical testing. Allele origin: germline. Observed: 11 variant alleles.
Comment: BS1, BP4, BP7

ARUP Laboratories, Molecular Genetics and Genomics, ARUP Laboratories
Classification: Likely benign for Hemolytic anemia due to glucophosphate isomerase deficiency. Last evaluated: 2020-12-30. Review status: criteria provided, single submitter. Criteria: ARUP Molecular Germline Variant Investigation Process 2021. Collection method: clinical testing. Allele origin: germline.

Breakthrough Genomics
Classification: Likely benign. Review status: criteria provided, single submitter. Criteria: ACMG Guidelines, 2015. Collection method: not provided. Allele origin: germline. Inheritance: Autosomal recessive inheritance. Affected: yes.

NM_000175.5(GPI):c.987C>T (p.Asn329=)

Gene: GPI (glucose-6-phosphate isomerase; plus strand). Cytogenetic location: 19q13.11.
Variant type: single nucleotide variant.
Coding change: c.987C>T on transcript NM_000175.5 (MANE Select); coding-DNA position 987, C replaced by T.
Protein change: p.Asn329=; no amino-acid change (asparagine 329 retained).
Molecular consequence: synonymous variant.
Genome position (GRCh38, 1-based): chr19:34,393,991, C>T. VCF-style: chr19-34393991-C-T. GRCh37 (hg19) VCF-style: chr19-34884896-C-T.
Other names: p.Asn329=; c.1020C>T, p.Asn340= (NM_001184722.1); c.1104C>T, p.Asn368= (NM_001289789.1); c.903C>T, p.Asn301= (NM_001289790.3); c.987C>T, p.Asn329= (NM_001329909.1, NM_001329910.1, NM_001329911.2).
Identifiers: ClinVar variation 708244 (VCV000708244.45), dbSNP rs140676743, ClinGen allele CA9367314.